The following is an entry in ClinVar:

ClinVar aggregate classification (germline): Likely benign. Review status: criteria provided, multiple submitters, no conflicts (2 of 4 stars). 3 submissions from 3 submitters: Likely benign (3). Last evaluated 2026-06-21.

Conditions:
RP1L1-related disorder. Also called: RP1L1-related condition.

Allele frequency attached by ClinVar (database versions not stated): gnomAD 0.00001; TOPMed 0.00002; gnomAD exomes 0.00005.
gnomAD v4.1: 68 of 1,607,304 alleles (0.0042%); highest among the groups gnomAD compares: Non-Finnish European, 0.0054%; no homozygotes.

Submissions (3):

PreventionGenetics, part of Exact Sciences
Classification: Likely benign for RP1L1-related condition. Last evaluated: 2026-06-21. Review status: criteria provided, single submitter. Criteria: ACMG Guidelines, 2015. Collection method: clinical testing. Allele origin: germline.
Comment: This variant is classified as likely benign based on ACMG/AMP sequence variant interpretation guidelines (Richards et al. 2015 PMID: 25741868, with internal and published modifications).

CeGaT Center for Human Genetics Tuebingen
Classification: Likely benign. Last evaluated: 2023-06-01. Review status: criteria provided, single submitter. Criteria: CeGaT Center For Human Genetics Tuebingen Variant Classification Criteria Version 2. Collection method: clinical testing. Allele origin: germline. Affected: yes. Observed: 1 variant allele.
Comment: RP1L1: BP4, BP7

Blueprint Genetics
Classification: Likely benign. Last evaluated: 2019-11-07. Review status: criteria provided, single submitter. Criteria: ACMG Guidelines, 2015. Collection method: clinical testing. Allele origin: germline.

NM_178857.6(RP1L1):c.1539C>T (p.Gly513=)

Gene: RP1L1 (RP1 like 1). Cytogenetic location: 8p23.1.
Variant type: single nucleotide variant.
Coding change: c.1539C>T on transcript NM_178857.6 (MANE Select); coding-DNA position 1539, C replaced by T.
Protein change: p.Gly513=; no amino-acid change (glycine 513 retained).
Molecular consequence: synonymous variant.
Genome position (GRCh38, 1-based): chr8:10,612,559, G>A on the plus strand (C>T on the coding strand, the complement: RP1L1 is on the minus strand). VCF-style: chr8-10612559-G-A. GRCh37 (hg19) VCF-style: chr8-10470069-G-A.
Other names: c.1539C>T (NM_178857.5).
Identifiers: ClinVar variation 2658394 (VCV002658394.26), dbSNP rs993933323, ClinGen allele CA171947663.
Genomic context (GRCh38, chr8:10,612,559, plus strand): 5'-CGAAGAAGCCCCCTCCTCACTCCGGGCCCTCGGTGTCAGGCGGCCGCCTTGCTCTGGGCC[G>A]CCCAGCCCTGCTCCATCTATGCATAGGCCGGGGTCCTCACCCAGGCTCCCTCCAGCTTTC-3'
Protein context (NP_849188.4, residues 503-523): PGLCIDGAGL[Gly513=]GPEQGGRLTP